The following is an entry in ClinVar:

NM_001040716.2(PC):c.3137A>G (p.Glu1046Gly)

Gene: PC (pyruvate carboxylase; minus strand). Cytogenetic location: 11q13.2.
Variant type: single nucleotide variant.
Coding change: c.3137A>G on transcript NM_001040716.2 (MANE Select); coding-DNA position 3137, A replaced by G.
Protein change: p.Glu1046Gly; replaces glutamic acid 1046 with glycine.
Molecular consequence: missense variant.
Genome position (GRCh38, 1-based): chr11:66,849,621, T>C on the plus strand (A>G on the coding strand, the complement: PC is on the minus strand). VCF-style: chr11-66849621-T-C. GRCh37 (hg19) VCF-style: chr11-66617092-T-C.
Other names: c.3137A>G, p.Glu1046Gly (NM_000920.4, NM_022172.3); short protein forms E1046G.
Identifiers: ClinVar variation 1424354 (VCV001424354.4), dbSNP rs771700107, ClinGen allele CA6130896.
Genomic context (GRCh38, chr11:66,849,621, plus strand): 5'-CTGGGGCAGGGGGCCAGGGTGGAGTGTGGAGAAGCGCCAGAGCCACTGACCTCAAACTCC[T>C]CTGCGATCTTGGGTCCCTGCAGGAAGAGGCGAGTATTCAGGCTATCCAGGGGGCCAAAGG-3'
Protein context (NP_001035806.1, residues 1036-1056): RLFLQGPKIA[Glu1046Gly]EFEVELERGK

ClinVar aggregate classification (germline): Uncertain significance (1 of 4 stars; one submission).

Conditions:
Pyruvate carboxylase deficiency. Also called: Pyruvate Carboxylase Deficiency Disease; LEIGH NECROTIZING ENCEPHALOPATHY DUE TO PYRUVATE CARBOXYLASE DEFICIENCY; LEIGH SYNDROME DUE TO PYRUVATE CARBOXYLASE DEFICIENCY; ATAXIA WITH LACTIC ACIDOSIS II; PC DEFICIENCY. Identifiers: Orphanet 3008, MedGen C0034341, MONDO:0009949, OMIM 266150.

Allele frequency attached by ClinVar (database versions not stated): gnomAD 0.00001; gnomAD exomes 0.00002 and 0.00004; ExAC 0.00004.
gnomAD v4.1: 31 of 1,614,042 alleles (0.0019%); highest among the groups gnomAD compares: South Asian, 0.031%; no homozygotes.

Submission:

Labcorp Genetics (formerly Invitae), Labcorp
Classification: Uncertain significance for Pyruvate carboxylase deficiency. Last evaluated: 2026-01-19. Review status: criteria provided, single submitter. Criteria: Invitae Variant Classification Sherloc (09022015). Collection method: clinical testing. Allele origin: germline.
Comment: This sequence change replaces glutamic acid, which is acidic and polar, with glycine, which is neutral and non-polar, at codon 1046 of the PC protein (p.Glu1046Gly). This variant is present in population databases (rs771700107, gnomAD 0.03%). This variant has not been reported in the literature in individuals affected with PC-related conditions. ClinVar contains an entry for this variant (Variation ID: 1424354). Invitae Evidence Modeling of protein sequence and biophysical properties (such as structural, functional, and spatial information, amino acid conservation, physicochemical variation, residue mobility, and thermodynamic stability) has been performed for this missense variant. However, the output from this modeling did not meet the statistical confidence thresholds required to predict the impact of this variant on PC protein function. In summary, the available evidence is currently insufficient to determine the role of this variant in disease. Therefore, it has been classified as a Variant of Uncertain Significance.